The following is an entry in ClinVar:

ClinVar aggregate classification (germline): Likely benign (1 of 4 stars; one submission).

Allele frequency attached by ClinVar (database versions not stated): gnomAD exomes below 0.00001 and 0.00001; TOPMed below 0.00001; ExAC 0.00001; gnomAD 0.00001.
gnomAD v4.1: 5 of 1,611,598 alleles (0.00031%); highest among the groups gnomAD compares: Non-Finnish European, 0.00042%; no homozygotes.

Submission:

GeneDx
Classification: Likely benign. Last evaluated: 2017-04-18. Review status: criteria provided, single submitter. Criteria: GeneDx Variant Classification (06012015). Collection method: clinical testing. Allele origin: germline. Affected: yes.
Comment: This variant is considered likely benign or benign based on one or more of the following criteria: it is a conservative change, it occurs at a poorly conserved position in the protein, it is predicted to be benign by multiple in silico algorithms, and/or has population frequency not consistent with disease.

NM_001165963.4(SCN1A):c.602+7G>A

Gene: SCN1A (sodium voltage-gated channel alpha subunit 1; minus strand). Cytogenetic location: 2q24.3.
Variant type: single nucleotide variant.
Coding change: c.602+7G>A on transcript NM_001165963.4 (MANE Select); 7 bases into the intron after coding-DNA position 602, G replaced by A.
Molecular consequence: intron variant.
Genome position (GRCh38, 1-based): chr2:166,054,631, C>T on the plus strand (G>A on the coding strand, the complement: SCN1A is on the minus strand). VCF-style: chr2-166054631-C-T. GRCh37 (hg19) VCF-style: chr2-166911141-C-T.
Other names: c.602+7G>A (NM_001353949.2, NM_001353958.2, NM_001353950.2 and 10 more transcripts); c.-1824+7G>A (NM_001353961.2).
Identifiers: ClinVar variation 508957 (VCV000508957.1), dbSNP rs767262924, ClinGen allele CA1943487.